The following is an entry in ClinVar:

ClinVar aggregate classification (germline): Likely benign. Review status: criteria provided, single submitter (1 of 4 stars). 2 submissions from 2 submitters: Likely benign (1). 1 of the submissions does not count toward it. Last evaluated 2026-01-05.

Conditions:
KMT2D-related disorder. Also called: KMT2D-Related Disorders.
Kabuki syndrome. Also called: NIIKAWA-KUROKI SYNDROME; Kabuki make-up syndrome. Identifiers: Orphanet 2322, MedGen C0796004, MONDO:0016512.

Allele frequency attached by ClinVar (database versions not stated): gnomAD exomes below 0.00001; gnomAD 0.00001.
gnomAD v4.1: 7 of 1,604,410 alleles (0.00044%); highest among the groups gnomAD compares: Non-Finnish European, 0.0006%; no homozygotes.

Submissions (2):

Labcorp Genetics (formerly Invitae), Labcorp
Classification: Likely benign for Kabuki syndrome. Last evaluated: 2026-01-05. Review status: criteria provided, single submitter. Criteria: Invitae Variant Classification Sherloc (09022015). Collection method: clinical testing. Allele origin: germline.

PreventionGenetics, part of Exact Sciences
Classification: Likely benign for KMT2D-related condition. Last evaluated: 2021-07-27. Review status: no assertion criteria provided. Collection method: clinical testing. Allele origin: germline. Not counted in ClinVar's aggregate classification.
Comment: This variant is classified as likely benign based on ACMG/AMP sequence variant interpretation guidelines (Richards et al. 2015 PMID: 25741868, with internal and published modifications).

NM_003482.4(KMT2D):c.13942C>T (p.Leu4648=)

Gene: KMT2D (lysine methyltransferase 2D; minus strand). Cytogenetic location: 12q13.12.
Variant type: single nucleotide variant.
Coding change: c.13942C>T on transcript NM_003482.4 (MANE Select); coding-DNA position 13942, C replaced by T.
Protein change: p.Leu4648=; no amino-acid change (leucine 4648 retained).
Molecular consequence: synonymous variant.
Genome position (GRCh38, 1-based): chr12:49,030,337, G>A on the plus strand (C>T on the coding strand, the complement: KMT2D is on the minus strand). VCF-style: chr12-49030337-G-A. GRCh37 (hg19) VCF-style: chr12-49424120-G-A.
Other names: c.13942C>T (NM_003482.3).
Identifiers: ClinVar variation 1125819 (VCV001125819.11), dbSNP rs1408800479, ClinGen allele CA479524151.